The following is an entry in ClinVar:

NM_003055.3(SLC18A3):c.758T>C (p.Leu253Pro)

Genes: CHAT (choline O-acetyltransferase; plus strand), SLC18A3 (solute carrier family 18 member A3; plus strand). Cytogenetic location: 10q11.23.
Variant type: single nucleotide variant.
Coding change: c.758T>C on transcript NM_003055.3 (MANE Select); coding-DNA position 758, T replaced by C.
Protein change: p.Leu253Pro; replaces leucine 253 with proline.
Molecular consequence: missense variant. On other transcripts: intron variant (1).
Genome position (GRCh38, 1-based): chr10:49,611,498, T>C. VCF-style: chr10-49611498-T-C. GRCh37 (hg19) VCF-style: chr10-50819544-T-C.
Other names: c.-69+2299T>C (NM_020984.4); short protein forms L253P.
Identifiers: ClinVar variation 4700163 (VCV004700163.1).
Genomic context (GRCh38, chr10:49,611,498, plus strand): 5'-GCATCCTCTATGAGTTCGCCGGCAAGCGCGTGCCCTTCTTGGTGCTAGCTGCCGTGTCGC[T>C]CTTTGACGCGCTGTTGCTGCTGGCAGTGGCCAAACCCTTCTCGGCGGCTGCACGGGCTCG-3'
Protein context (NP_003046.2, residues 243-263): VPFLVLAAVS[Leu253Pro]FDALLLLAVA

ClinVar aggregate classification (germline): Uncertain significance (1 of 4 stars; one submission).

gnomAD v4.1: 30 of 1,600,458 alleles (0.0019%); highest among the groups gnomAD compares: Non-Finnish European, 0.0025%; no homozygotes.

Submission:

Labcorp Genetics (formerly Invitae), Labcorp
Classification: Uncertain significance. Last evaluated: 2025-11-27. Review status: criteria provided, single submitter. Criteria: Invitae Variant Classification Sherloc (09022015). Collection method: clinical testing. Allele origin: germline.
Comment: This sequence change replaces leucine, which is neutral and non-polar, with proline, which is neutral and non-polar, at codon 253 of the SLC18A3 protein (p.Leu253Pro). This variant is present in population databases (rs776326514, gnomAD 0.007%). This variant has not been reported in the literature in individuals affected with SLC18A3-related conditions. Invitae Evidence Modeling of protein sequence and biophysical properties (such as structural, functional, and spatial information, amino acid conservation, physicochemical variation, residue mobility, and thermodynamic stability) indicates that this missense variant is expected to disrupt SLC18A3 protein function with a positive predictive value of 80%. In summary, the available evidence is currently insufficient to determine the role of this variant in disease. Therefore, it has been classified as a Variant of Uncertain Significance.